The following is an entry in ClinVar:

ClinVar aggregate classification (germline): Pathogenic (1 of 4 stars; one submission).

Submission:

Labcorp Genetics (formerly Invitae), Labcorp
Classification: Pathogenic. Last evaluated: 2021-02-22. Review status: criteria provided, single submitter. Criteria: Invitae Variant Classification Sherloc (09022015). Collection method: clinical testing. Allele origin: germline.
Comment: For these reasons, this variant has been classified as Pathogenic. This variant has not been reported in the literature in individuals with TTPA-related conditions. This variant is a gross deletion of the genomic region encompassing exon(s) 2 of the TTPA gene. This deletion is out-of-frame, and is expected to create a premature translational stop signal and result in an absent or disrupted protein product. Loss-of-function variants in TTPA are known to be pathogenic (PMID: 9463307, 26068213).

Literature cited by the submitters: PubMed 9463307; PubMed 26068213.

NC_000008.10:g.(?_63985484)_(63985657_?)del

Gene: TTPA (alpha tocopherol transfer protein; minus strand). Cytogenetic location: 8q12.3.
Variant type: Deletion.
Identifiers: ClinVar variation 1454920 (VCV001454920.7).